The following is an entry in ClinVar:

ClinVar aggregate classification (germline): Likely benign. Review status: criteria provided, multiple submitters, no conflicts (2 of 4 stars). 5 submissions from 5 submitters: Likely benign (4). 1 of the submissions does not count toward it. Last evaluated 2026-01-05.

Conditions:
Peroxisome biogenesis disorder 9B. Also called: PEX7-Related Refsum Disease; Refsum disease, adult, 2; PEROXISOME BIOGENESIS DISORDER, PEX7-RELATED, ATYPICAL. Identifiers: Orphanet 773, MedGen C2749346, MONDO:0013945, OMIM 614879.
PEX7-related disorder. Also called: PEX7-related disorders; PEX7-related condition. Identifiers: MedGen CN239409.
Inborn genetic diseases. Identifiers: MedGen C0950123, MeSH D030342.

Allele frequency attached by ClinVar (database versions not stated): 1000 Genomes Project 30x 0.00016.
gnomAD v4.1: 179 of 1,521,226 alleles (0.012%); highest among the groups gnomAD compares: Middle Eastern, 0.022%; no homozygotes.

Submissions (5):

Labcorp Genetics (formerly Invitae), Labcorp
Classification: Likely benign for Peroxisome biogenesis disorder 9B. Last evaluated: 2026-01-05. Review status: criteria provided, single submitter. Criteria: Invitae Variant Classification Sherloc (09022015). Collection method: clinical testing. Allele origin: germline.

Mayo Clinic Laboratories, Mayo Clinic
Classification: Likely benign. Last evaluated: 2025-07-23. Review status: criteria provided, single submitter. Criteria: ACMG Guidelines, 2015. Collection method: clinical testing. Allele origin: germline. Observed: 2 variant alleles.
Comment: BP4, BP7

Blueprint Genetics
Classification: Likely benign. Last evaluated: 2024-10-30. Review status: criteria provided, single submitter. Criteria: ACMG Guidelines, 2015. Collection method: clinical testing. Allele origin: germline.

Ambry Genetics
Classification: Likely benign for Inborn genetic diseases. Last evaluated: 2023-11-18. Review status: criteria provided, single submitter. Criteria: Ambry Variant Classification Scheme 2023. Collection method: clinical testing. Allele origin: germline.

PreventionGenetics, part of Exact Sciences
Classification: Likely benign for PEX7-related condition. Last evaluated: 2022-07-27. Review status: no assertion criteria provided. Collection method: clinical testing. Allele origin: germline. Not counted in ClinVar's aggregate classification.
Comment: This variant is classified as likely benign based on ACMG/AMP sequence variant interpretation guidelines (Richards et al. 2015 PMID: 25741868, with internal and published modifications).

NM_000288.4(PEX7):c.24G>A (p.Ala8=)

Gene: PEX7 (peroxisomal biogenesis factor 7; plus strand). Cytogenetic location: 6q23.3.
Variant type: single nucleotide variant.
Coding change: c.24G>A on transcript NM_000288.4 (MANE Select); coding-DNA position 24, G replaced by A.
Protein change: p.Ala8=; no amino-acid change (alanine 8 retained).
Molecular consequence: synonymous variant.
Genome position (GRCh38, 1-based): chr6:136,822,689, G>A. VCF-style: chr6-136822689-G-A. GRCh37 (hg19) VCF-style: chr6-137143827-G-A.
Other names: p.Ala8=; c.24G>A (NM_000288.3).
Identifiers: ClinVar variation 2055015 (VCV002055015.9), dbSNP rs978818225, ClinGen allele CA148640671.